The following is an entry in ClinVar:

ClinVar aggregate classification (germline): Uncertain significance (1 of 4 stars; one submission).

Conditions:
Inborn genetic diseases. Identifiers: MedGen C0950123, MeSH D030342.

Submission:

Ambry Genetics
Classification: Uncertain significance for Inborn genetic diseases. Last evaluated: 2025-05-15. Review status: criteria provided, single submitter. Criteria: Ambry Variant Classification Scheme 2023. Collection method: clinical testing. Allele origin: germline.
Comment: The p.P108T variant (also known as c.322C>A), located in coding exon 1 of the SH2B3 gene, results from a C to A substitution at nucleotide position 322. The proline at codon 108 is replaced by threonine, an amino acid with highly similar properties. This amino acid position is conserved. In addition, this alteration is predicted to be tolerated by in silico analysis. Based on the available evidence, the clinical significance of this variant remains unclear.

NM_005475.3(SH2B3):c.322C>A (p.Pro108Thr)

Gene: SH2B3 (SH2B adaptor protein 3; plus strand). Cytogenetic location: 12q24.12.
Variant type: single nucleotide variant.
Coding change: c.322C>A on transcript NM_005475.3 (MANE Select); coding-DNA position 322, C replaced by A.
Protein change: p.Pro108Thr; replaces proline 108 with threonine.
Molecular consequence: missense variant.
Genome position (GRCh38, 1-based): chr12:111,418,467, C>A. VCF-style: chr12-111418467-C-A. GRCh37 (hg19) VCF-style: chr12-111856271-C-A.
Other names: short protein forms P108T.
Identifiers: ClinVar variation 3953496 (VCV003953496.1).